The following is an entry in ClinVar:

ClinVar aggregate classification (germline): Uncertain significance (1 of 4 stars; one submission).

Conditions:
Nephronophthisis. Also called: Juvenile Nephronophthisis. Identifiers: Orphanet 655, MedGen C0687120, MONDO:0019005, HP:0000090.

Allele frequency attached by ClinVar (database versions not stated): gnomAD 0.00001; gnomAD exomes 0.00001; TOPMed 0.00001.
gnomAD v4.1: 17 of 1,611,764 alleles (0.0011%); highest among the groups gnomAD compares: Non-Finnish European, 0.0014%; no homozygotes.

Submission:

Labcorp Genetics (formerly Invitae), Labcorp
Classification: Uncertain significance for Nephronophthisis. Last evaluated: 2025-04-16. Review status: criteria provided, single submitter. Criteria: Invitae Variant Classification Sherloc (09022015). Collection method: clinical testing. Allele origin: germline.
Comment: This sequence change replaces proline, which is neutral and non-polar, with threonine, which is neutral and polar, at codon 525 of the IQCB1 protein (p.Pro525Thr). This variant is not present in population databases (gnomAD no frequency). This variant has not been reported in the literature in individuals affected with IQCB1-related conditions. ClinVar contains an entry for this variant (Variation ID: 1001739). Invitae Evidence Modeling of protein sequence and biophysical properties (such as structural, functional, and spatial information, amino acid conservation, physicochemical variation, residue mobility, and thermodynamic stability) indicates that this missense variant is not expected to disrupt IQCB1 protein function with a negative predictive value of 80%. In summary, the available evidence is currently insufficient to determine the role of this variant in disease. Therefore, it has been classified as a Variant of Uncertain Significance.

NM_001023570.4(IQCB1):c.1573C>A (p.Pro525Thr)

Gene: IQCB1 (IQ motif containing B1; minus strand). Cytogenetic location: 3q13.33.
Variant type: single nucleotide variant.
Coding change: c.1573C>A on transcript NM_001023570.4 (MANE Select); coding-DNA position 1573, C replaced by A.
Protein change: p.Pro525Thr; replaces proline 525 with threonine.
Molecular consequence: missense variant. On other transcripts: non-coding transcript variant (1).
Genome position (GRCh38, 1-based): chr3:121,770,569, G>T on the plus strand (C>A on the coding strand, the complement: IQCB1 is on the minus strand). VCF-style: chr3-121770569-G-T. GRCh37 (hg19) VCF-style: chr3-121489416-G-T.
Other names: c.1174C>A, p.Pro392Thr (NM_001023571.4); c.1573C>A, p.Pro525Thr (NM_001319107.2); short protein forms P392T, P525T.
Identifiers: ClinVar variation 1001739 (VCV001001739.8), dbSNP rs1445502603, ClinGen allele CA354109322.